The following is an entry in ClinVar:

NM_005120.3(MED12):c.3979C>G (p.Pro1327Ala)

Gene: MED12 (mediator complex subunit 12; plus strand). Cytogenetic location: Xq13.1.
Variant type: single nucleotide variant.
Coding change: c.3979C>G on transcript NM_005120.3 (MANE Select); coding-DNA position 3979, C replaced by G.
Protein change: p.Pro1327Ala; replaces proline 1327 with alanine.
Molecular consequence: missense variant.
Genome position (GRCh38, 1-based): chrX:71,130,146, C>G. VCF-style: chrX-71130146-C-G. GRCh37 (hg19) VCF-style: chrX-70349996-C-G.
Other names: short protein forms P1327A.
Identifiers: ClinVar variation 3367430 (VCV003367430.1).

ClinVar aggregate classification (germline): Uncertain significance (1 of 4 stars; one submission).

Submission:

GeneDx
Classification: Uncertain significance. Last evaluated: 2024-01-02. Review status: criteria provided, single submitter. Criteria: GeneDx Variant Classification Process June 2021. Collection method: clinical testing. Allele origin: germline. Affected: yes.
Comment: Not observed at significant frequency in large population cohorts (gnomAD); In silico analysis supports that this missense variant has a deleterious effect on protein structure/function; Has not been previously published as pathogenic or benign to our knowledge